The following is an entry in ClinVar:

NM_001257291.2(SLC9A7):c.1042-2A>G

Gene: SLC9A7 (solute carrier family 9 member A7; minus strand). Cytogenetic location: Xp11.3.
Variant type: single nucleotide variant.
Coding change: c.1042-2A>G on transcript NM_001257291.2 (MANE Select); the canonical splice acceptor site of the intron before coding-DNA position 1042, A replaced by G.
Molecular consequence: splice acceptor variant. On other transcripts: missense variant (1).
Genome position (GRCh38, 1-based): chrX:46,653,716, T>C on the plus strand (A>G on the coding strand, the complement: SLC9A7 is on the minus strand). VCF-style: chrX-46653716-T-C. GRCh37 (hg19) VCF-style: chrX-46513151-T-C.
Other names: c.1037A>G, p.Asn346Ser (NM_032591.3); short protein forms N346S.
Identifiers: ClinVar variation 1952891 (VCV001952891.5), dbSNP rs2519496177, ClinGen allele CA413036120.
Genomic context (GRCh38, chrX:46,653,716, plus strand): 5'-AGGAAGAACAGCGCCGTCTCCAGCAGGGGGAAGCAGTGCAGTTTGGTAAACTTAGTCACG[T>C]TGGCATTCTGTCAAGGACCCTGTCTCCAGGTACATGTATCAGGGCCACCAAGAACCATAC-3'

ClinVar aggregate classification (germline): Uncertain significance (1 of 4 stars; one submission).

Allele frequency attached by ClinVar (database versions not stated): gnomAD exomes below 0.00001.
gnomAD v4.1: 3 of 1,200,038 alleles (0.00025%); highest among the groups gnomAD compares: Non-Finnish European, 0.00034%; no homozygotes.

Submission:

Labcorp Genetics (formerly Invitae), Labcorp
Classification: Uncertain significance. Last evaluated: 2025-03-31. Review status: criteria provided, single submitter. Criteria: Invitae Variant Classification Sherloc (09022015). Collection method: clinical testing. Allele origin: germline.
Comment: This sequence change affects an acceptor splice site in intron 7 of the SLC9A7 gene. It is expected to disrupt RNA splicing. Variants that disrupt the donor or acceptor splice site typically lead to a loss of protein function (PMID: 16199547), however the current clinical and genetic evidence is not sufficient to establish whether loss-of-function variants in SLC9A7 cause disease. This variant is not present in population databases (gnomAD no frequency). This variant has not been reported in the literature in individuals affected with SLC9A7-related conditions. ClinVar contains an entry for this variant (Variation ID: 1952891). In summary, the available evidence is currently insufficient to determine the role of this variant in disease. Therefore, it has been classified as a Variant of Uncertain Significance.

Literature cited by the submitters: PubMed 16199547.